The following is an entry in ClinVar:

ClinVar aggregate classification (germline): Pathogenic/Likely pathogenic. Review status: criteria provided, multiple submitters, no conflicts (2 of 4 stars). 2 submissions from 2 submitters: Pathogenic (1); Likely pathogenic (1). Last evaluated 2023-06-23.

Conditions:
KCNH2-related disorder. Also called: KCNH2-related condition; KCNH2-related disorders.
Long QT syndrome (LQTS). Identifiers: MedGen C0023976, MeSH D008133, MONDO:0002442. Disease mechanism: loss of function. Inheritance: Various modes of inheritance.

Submissions (2):

Labcorp Genetics (formerly Invitae), Labcorp
Classification: Pathogenic for Long QT syndrome. Last evaluated: 2023-06-23. Review status: criteria provided, single submitter. Criteria: Invitae Variant Classification Sherloc (09022015). Collection method: clinical testing. Allele origin: germline.
Comment: This sequence change creates a premature translational stop signal (p.Pro721Argfs*6) in the KCNH2 gene. It is expected to result in an absent or disrupted protein product. Loss-of-function variants in KCNH2 are known to be pathogenic (PMID: 10973849, 19862833). This variant is not present in population databases (gnomAD no frequency). This variant has not been reported in the literature in individuals affected with KCNH2-related conditions. For these reasons, this variant has been classified as Pathogenic.

Blueprint Genetics
Classification: Likely pathogenic for KCNH2-related disorders. Last evaluated: 2021-10-20. Review status: criteria provided, single submitter. Criteria: ACMG Guidelines, 2015. Collection method: clinical testing. Allele origin: germline. Affected: yes. Observed: 1 variant allele.

Literature cited by the submitters: PubMed 10973849 (cited by Labcorp Genetics (formerly Invitae), Labcorp); PubMed 19862833 (cited by Labcorp Genetics (formerly Invitae), Labcorp).

NM_000238.4(KCNH2):c.2162_2163del (p.Pro721fs)

Gene: KCNH2 (potassium voltage-gated channel subfamily H member 2; minus strand). Cytogenetic location: 7q36.1.
Variant type: Deletion.
Coding change: c.2162_2163del on transcript NM_000238.4 (MANE Select); coding-DNA positions 2162 to 2163, 2 bases deleted (CT; older notation c.2162_2163delCT).
Protein change: p.Pro721fs; shifts the reading frame from proline 721.
Molecular consequence: frameshift variant. On other transcripts: non-coding transcript variant (2).
Genome position (GRCh38, 1-based): chr7:150,950,403-150,950,404, AG deleted on the plus strand (CT on the coding strand, the reverse complement: KCNH2 is on the minus strand). VCF-style (leftmost placement, unchanged base first): chr7-150950402-CAG-C. GRCh37 (hg19) VCF-style: chr7-150647490-CAG-C.
Other names: c.1142_1143del, p.Pro381fs (NM_001204798.2, NM_172057.3); c.1874_1875del, p.Pro625fs (NM_001406753.1, NM_001406756.1); c.1985_1986del, p.Pro662fs (NM_001406755.1); c.1862_1863del, p.Pro621fs (NM_001406757.1); c.2162_2163del, p.Pro721fs (NM_172056.3); short protein forms P621fs, P721fs, P381fs, P625fs, P662fs.
Identifiers: ClinVar variation 2725070 (VCV002725070.4), dbSNP rs2486027252, ClinGen allele CA2697557670.
Genomic context (GRCh38, chr7:150,950,402, plus strand): 5'-GTTTGCAGTGCTGCAGCAGTGAGCGGTTCAGGTGCAGGCAGATGTCAGCCTGCAGGCACT[CAG>C]GGAAGCCCTTCAGCACCTGGGGGCAGGGTGGGGGCAGCTCAGCACACCCTCCCTTGGGAC-3'